The following is an entry in ClinVar:

ClinVar aggregate classification (germline): Conflicting classifications of pathogenicity. Review status: criteria provided, conflicting classifications (1 of 4 stars). 5 submissions from 5 submitters: Likely pathogenic (3); Uncertain significance (1). 1 of the submissions does not count toward it. Last evaluated 2025-02-02.

Conditions:
Cardiovascular phenotype. Identifiers: MedGen CN230736.
Charcot-Marie-Tooth disease type 2. Also called: Charcot-Marie-Tooth type 2. Identifiers: Orphanet 64746, MedGen C0270914, MONDO:0018993.
Familial partial lipodystrophy, Dunnigan type. Also called: Partial lipodystrophy, Dunnigan; LIPODYSTROPHY, FAMILIAL, OF LIMBS AND LOWER TRUNK; LIPODYSTROPHY, REVERSE PARTIAL. Identifiers: Orphanet 2348, MedGen C1720860, MONDO:0007906, OMIM 151660.

Allele frequency attached by ClinVar (database versions not stated): TOPMed below 0.00001.
gnomAD v4.1: 1 of 1,613,962 alleles (0.000062%); highest among the groups gnomAD compares: Non-Finnish European, 0.000085%; no homozygotes.

Submissions (5):

Labcorp Genetics (formerly Invitae), Labcorp
Classification: Likely pathogenic for Charcot-Marie-Tooth disease type 2. Last evaluated: 2025-02-02. Review status: criteria provided, single submitter. Criteria: Invitae Variant Classification Sherloc (09022015). Collection method: clinical testing. Allele origin: germline.
Comment: This sequence change replaces arginine, which is basic and polar, with glycine, which is neutral and non-polar, at codon 471 of the LMNA protein (p.Arg471Gly). This variant is not present in population databases (gnomAD no frequency). This missense change has been observed in individual(s) with clinical features of autosomal dominant lipodystrophy (PMID: 18041775). ClinVar contains an entry for this variant (Variation ID: 66824). Invitae Evidence Modeling of protein sequence and biophysical properties (such as structural, functional, and spatial information, amino acid conservation, physicochemical variation, residue mobility, and thermodynamic stability) indicates that this missense variant is expected to disrupt LMNA protein function with a positive predictive value of 95%. Experimental studies are conflicting or provide insufficient evidence to determine the effect of this variant on LMNA function (PMID: 34862408). This variant disrupts the p.Arg471 amino acid residue in LMNA. Other variant(s) that disrupt this residue have been determined to be pathogenic (PMID: 18646565, 23582089, 27532257, 29943882). This suggests that this residue is clinically significant, and that variants that disrupt this residue are likely to be disease-causing. In summary, the currently available evidence indicates that the variant is pathogenic, but additional data are needed to prove that conclusively. Therefore, this variant has been classified as Likely Pathogenic.

Ambry Genetics
Classification: Likely pathogenic for Cardiovascular phenotype. Last evaluated: 2024-10-31. Review status: criteria provided, single submitter. Criteria: Ambry Variant Classification Scheme 2023. Collection method: clinical testing. Allele origin: germline.
Comment: The p.R471G variant (also known as c.1411C>G), located in coding exon 8 of the LMNA gene, results from a C to G substitution at nucleotide position 1411. The arginine at codon 471 is replaced by glycine, an amino acid with dissimilar properties. This alteration has been reported in an individual with dilated cardiomyopathy (DCM) and cardiac conduction disease, as well as in two siblings with familial partial lipodystrophy (Muschke P et al. Am. J. Med. Genet. A, 2007 Dec;143A:2810-4; Ambry internal data). Another alteration at the same codon, p.R471H (c.1412G>A), has been reported in association with laminopathy and DCM (Astejada MN et al. Acta Myol. 2007; 26(3):159-64). This amino acid position is highly conserved in available vertebrate species. In addition, this alteration is predicted to be deleterious by in silico analysis. This variant is considered to be rare based on population cohorts in the Genome Aggregation Database (gnomAD). Based on the majority of available evidence to date, this variant is likely to be pathogenic.

Institute of Human Genetics, University of Leipzig Medical Center
Classification: Likely pathogenic for Familial partial lipodystrophy, Dunnigan type. Last evaluated: 2024-10-18. Review status: criteria provided, single submitter. Criteria: ACMG Guidelines, 2015. Collection method: clinical testing. Allele origin: unknown. Inheritance: Autosomal dominant inheritance. Affected: yes.
Comment: Criteria applied: PM5_STR,PS4_MOD,PM2_SUP,PP3

Mayo Clinic Laboratories, Mayo Clinic
Classification: Uncertain significance. Last evaluated: 2022-10-18. Review status: criteria provided, single submitter. Criteria: ACMG Guidelines, 2015. Collection method: clinical testing. Allele origin: germline. Observed: 1 variant allele.
Comment: PP3, PM2_supporting

Epithelial Biology;  Institute of Medical Biology, Singapore
No classification provided. Review status: no classification provided. Collection method: not provided. Allele origin: not provided. Not counted in ClinVar's aggregate classification.

Literature cited by the submitters: PubMed 18041775 (cited by 3 submitters); PubMed 34862408 (cited by Labcorp Genetics (formerly Invitae), Labcorp and Mayo Clinic Laboratories, Mayo Clinic); PubMed 18646565 (cited by Labcorp Genetics (formerly Invitae), Labcorp); PubMed 23582089 (cited by Labcorp Genetics (formerly Invitae), Labcorp); PubMed 27532257 (cited by Labcorp Genetics (formerly Invitae), Labcorp); PubMed 29943882 (cited by Labcorp Genetics (formerly Invitae), Labcorp); PubMed 17556535 (cited by Mayo Clinic Laboratories, Mayo Clinic); PubMed 24375749 (cited by Mayo Clinic Laboratories, Mayo Clinic).

NM_170707.4(LMNA):c.1411C>G (p.Arg471Gly)

Gene: LMNA (lamin A/C; plus strand). Cytogenetic location: 1q22.
Variant type: single nucleotide variant.
Coding change: c.1411C>G on transcript NM_170707.4 (MANE Select); coding-DNA position 1411, C replaced by G.
Protein change: p.Arg471Gly; replaces arginine 471 with glycine.
Molecular consequence: missense variant.
Genome position (GRCh38, 1-based): chr1:156,136,951, C>G. VCF-style: chr1-156136951-C-G. GRCh37 (hg19) VCF-style: chr1-156106742-C-G.
Other names: p.Arg471Gly; c.1411C>G (NM_170707.3); c.1075C>G, p.Arg359Gly (NM_001257374.3); c.1168C>G, p.Arg390Gly (NM_001282624.2); c.1411C>G, p.Arg471Gly (NM_001282625.2, NM_001282626.2, NM_005572.4 and 1 more transcripts); short protein forms R471G, R390G, R359G.
Identifiers: ClinVar variation 66824 (VCV000066824.12), dbSNP rs28928902, ClinGen allele CA017206.